The following is an entry in ClinVar:

ClinVar aggregate classification (germline): Uncertain significance (1 of 4 stars; one submission).

Conditions:
Progressive myoclonic epilepsy type 5. Identifiers: Orphanet 402082, MedGen C5190799.

Allele frequency attached by ClinVar (database versions not stated): gnomAD 0.00001.
gnomAD v4.1: 4 of 1,613,998 alleles (0.00025%); highest among the groups gnomAD compares: Non-Finnish European, 0.00034%; no homozygotes.

Submission:

Labcorp Genetics (formerly Invitae), Labcorp
Classification: Uncertain significance for Progressive myoclonic epilepsy type 5. Last evaluated: 2023-04-17. Review status: criteria provided, single submitter. Criteria: Invitae Variant Classification Sherloc (09022015). Collection method: clinical testing. Allele origin: germline.
Comment: In summary, the available evidence is currently insufficient to determine the role of this variant in disease. Therefore, it has been classified as a Variant of Uncertain Significance. Advanced modeling of protein sequence and biophysical properties (such as structural, functional, and spatial information, amino acid conservation, physicochemical variation, residue mobility, and thermodynamic stability) performed at Invitae indicates that this missense variant is not expected to disrupt PRICKLE2 protein function. ClinVar contains an entry for this variant (Variation ID: 1945513). This variant has not been reported in the literature in individuals affected with PRICKLE2-related conditions. This variant is present in population databases (no rsID available, gnomAD 0.007%). This sequence change replaces alanine, which is neutral and non-polar, with aspartic acid, which is acidic and polar, at codon 548 of the PRICKLE2 protein (p.Ala548Asp).

NM_198859.4(PRICKLE2):c.1643C>A (p.Ala548Asp)

Gene: PRICKLE2 (prickle planar cell polarity protein 2; minus strand). Cytogenetic location: 3p14.1.
Variant type: single nucleotide variant.
Coding change: c.1643C>A on transcript NM_198859.4 (MANE Select); coding-DNA position 1643, C replaced by A.
Protein change: p.Ala548Asp; replaces alanine 548 with aspartic acid.
Molecular consequence: missense variant.
Genome position (GRCh38, 1-based): chr3:64,146,847, G>T on the plus strand (C>A on the coding strand, the complement: PRICKLE2 is on the minus strand). VCF-style: chr3-64146847-G-T. GRCh37 (hg19) VCF-style: chr3-64132523-G-T.
Other names: c.1643C>A, p.Ala548Asp (NM_001370528.1); short protein forms A548D.
Identifiers: ClinVar variation 1945513 (VCV001945513.5), dbSNP rs1257877651, ClinGen allele CA353428616.